The following is an entry in ClinVar:

ClinVar aggregate classification (germline): Likely benign. Review status: criteria provided, multiple submitters, no conflicts (2 of 4 stars). 3 submissions from 3 submitters: Likely benign (3). Last evaluated 2026-02-01.

Allele frequency attached by ClinVar (database versions not stated): gnomAD exomes 0.00016 and 0.00056; gnomAD 0.00023 and 0.00035; TOPMed 0.00033; ExAC 0.00048; 1000 Genomes Project 30x 0.00281; 1000 Genomes Project 0.00300.
gnomAD v4.1: 317 of 1,613,154 alleles (0.02%); highest among the groups gnomAD compares: East Asian, 0.56%; 3 homozygotes.

Submissions (3):

Labcorp Genetics (formerly Invitae), Labcorp
Classification: Likely benign. Last evaluated: 2026-02-01. Review status: criteria provided, single submitter. Criteria: Invitae Variant Classification Sherloc (09022015). Collection method: clinical testing. Allele origin: germline.

CeGaT Center for Human Genetics Tuebingen
Classification: Likely benign. Last evaluated: 2025-03-01. Review status: criteria provided, single submitter. Criteria: CeGaT Center For Human Genetics Tuebingen Variant Classification Criteria Version 2. Collection method: clinical testing. Allele origin: germline. Affected: yes. Observed: 1 variant allele.
Comment: TNNI3K: BP4, BS2

Blueprint Genetics
Classification: Likely benign. Last evaluated: 2024-10-17. Review status: criteria provided, single submitter. Criteria: ACMG Guidelines, 2015. Collection method: clinical testing. Allele origin: germline.

NM_015978.3(TNNI3K):c.451G>C (p.Asp151His)

Genes: FPGT-TNNI3K (FPGT-TNNI3K readthrough; plus strand), TNNI3K (TNNI3 interacting kinase; plus strand). Cytogenetic location: 1p31.1.
Variant type: single nucleotide variant.
Coding change: c.451G>C on transcript NM_015978.3 (MANE Select); coding-DNA position 451, G replaced by C.
Protein change: p.Asp151His; replaces aspartic acid 151 with histidine.
Molecular consequence: missense variant.
Genome position (GRCh38, 1-based): chr1:74,331,456, G>C. VCF-style: chr1-74331456-G-C. GRCh37 (hg19) VCF-style: chr1-74797140-G-C.
Other names: c.754G>C, p.Asp252His (NM_001112808.3, NM_001199327.2); short protein forms D151H, D252H.
Identifiers: ClinVar variation 734981 (VCV000734981.17), dbSNP rs34874695, ClinGen allele CA908911.